The following is an entry in ClinVar:

ClinVar aggregate classification (germline): Uncertain significance (1 of 4 stars; one submission).

Allele frequency attached by ClinVar (database versions not stated): gnomAD exomes below 0.00001; TOPMed 0.00001; ExAC 0.00002; gnomAD 0.00002.
gnomAD v4.1: 4 of 1,614,092 alleles (0.00025%); highest among the groups gnomAD compares: African/African-American, 0.0053%; no homozygotes.

Submission:

Labcorp Genetics (formerly Invitae), Labcorp
Classification: Uncertain significance. Last evaluated: 2022-12-13. Review status: criteria provided, single submitter. Criteria: Invitae Variant Classification Sherloc (09022015). Collection method: clinical testing. Allele origin: germline.
Comment: In summary, the available evidence is currently insufficient to determine the role of this variant in disease. Therefore, it has been classified as a Variant of Uncertain Significance. Advanced modeling of protein sequence and biophysical properties (such as structural, functional, and spatial information, amino acid conservation, physicochemical variation, residue mobility, and thermodynamic stability) performed at Invitae indicates that this missense variant is not expected to disrupt ACO2 protein function. This variant has not been reported in the literature in individuals affected with ACO2-related conditions. This variant is present in population databases (rs757401683, gnomAD 0.01%). This sequence change replaces alanine, which is neutral and non-polar, with aspartic acid, which is acidic and polar, at codon 710 of the ACO2 protein (p.Ala710Asp).

NM_001098.3(ACO2):c.2129C>A (p.Ala710Asp)

Genes: POLR3H (RNA polymerase III subunit H; minus strand), ACO2 (aconitase 2; plus strand). Cytogenetic location: 22q13.2.
Variant type: single nucleotide variant.
Coding change: c.2129C>A on transcript NM_001098.3 (MANE Select); coding-DNA position 2129, C replaced by A.
Protein change: p.Ala710Asp; replaces alanine 710 with aspartic acid.
Molecular consequence: missense variant. On other transcripts: 3 prime UTR variant (5).
Genome position (GRCh38, 1-based): chr22:41,527,943, C>A. VCF-style: chr22-41527943-C-A. GRCh37 (hg19) VCF-style: chr22-41923947-C-A.
Other names: c.*1340G>T (NM_001018050.4, NM_001018052.4, NM_001282884.2 and 2 more transcripts); short protein forms A710D.
Identifiers: ClinVar variation 2791570 (VCV002791570.3), dbSNP rs757401683, ClinGen allele CA10257900.